The following is an entry in ClinVar:

ClinVar aggregate classification (germline): Uncertain significance (1 of 4 stars; one submission).

Conditions:
Bloom syndrome (BLM). Also called: Bloom-Torre-Machacek syndrome. Identifiers: Orphanet 125, MedGen C0005859, MONDO:0008876, OMIM 210900.

Submission:

Labcorp Genetics (formerly Invitae), Labcorp
Classification: Uncertain significance for Bloom syndrome. Last evaluated: 2022-08-09. Review status: criteria provided, single submitter. Criteria: Invitae Variant Classification Sherloc (09022015). Collection method: clinical testing. Allele origin: germline.
Comment: ClinVar contains an entry for this variant (Variation ID: 571331). Algorithms developed to predict the effect of missense changes on protein structure and function are either unavailable or do not agree on the potential impact of this missense change (SIFT: "Tolerated"; PolyPhen-2: "Possibly Damaging"; Align-GVGD: "Class C0"). In summary, the available evidence is currently insufficient to determine the role of this variant in disease. Therefore, it has been classified as a Variant of Uncertain Significance. This sequence change replaces glutamine, which is neutral and polar, with histidine, which is basic and polar, at codon 217 of the BLM protein (p.Gln217His). This variant is not present in population databases (gnomAD no frequency). This variant has not been reported in the literature in individuals affected with BLM-related conditions.

NM_000057.4(BLM):c.651A>C (p.Gln217His)

Gene: BLM (BLM RecQ like helicase; plus strand). Cytogenetic location: 15q26.1.
Variant type: single nucleotide variant.
Coding change: c.651A>C on transcript NM_000057.4 (MANE Select); coding-DNA position 651, A replaced by C.
Protein change: p.Gln217His; replaces glutamine 217 with histidine.
Molecular consequence: missense variant. On other transcripts: 5 prime UTR variant (1).
Genome position (GRCh38, 1-based): chr15:90,749,919, A>C. VCF-style: chr15-90749919-A-C. GRCh37 (hg19) VCF-style: chr15-91293149-A-C.
Other names: c.651A>C, p.Gln217His (NM_001287246.2, NM_001287247.2); c.-641A>C (NM_001287248.2); short protein forms Q217H.
Identifiers: ClinVar variation 571331 (VCV000571331.9), dbSNP rs1258361408, ClinGen allele CA393841256.